The following is an entry in ClinVar:

NM_001042492.3(NF1):c.3593A>C (p.Glu1198Ala)

Gene: NF1 (neurofibromin 1; plus strand). Cytogenetic location: 17q11.2.
Variant type: single nucleotide variant.
Coding change: c.3593A>C on transcript NM_001042492.3 (MANE Select); coding-DNA position 3593, A replaced by C.
Protein change: p.Glu1198Ala; replaces glutamic acid 1198 with alanine.
Molecular consequence: missense variant.
Genome position (GRCh38, 1-based): chr17:31,233,098, A>C. VCF-style: chr17-31233098-A-C. GRCh37 (hg19) VCF-style: chr17-29560116-A-C.
Other names: c.3593A>C, p.Glu1198Ala (NM_000267.4); short protein forms E1198A.
Identifiers: ClinVar variation 4800754 (VCV004800754.1).

ClinVar aggregate classification (germline): Uncertain significance (1 of 4 stars; one submission).

Conditions:
Neurofibromatosis, type 1 (NF1). Also called: VON RECKLINGHAUSEN DISEASE; Neurofibromatosis, type I; NEUROFIBROMATOSIS, TYPE I, SOMATIC; Peripheral type neurofibromatosis. Identifiers: Orphanet 636, MedGen C0027831, MONDO:0018975, OMIM 162200. Disease mechanism: loss of function.

Submission:

Labcorp Genetics (formerly Invitae), Labcorp
Classification: Uncertain significance for Neurofibromatosis, type 1. Last evaluated: 2025-08-03. Review status: criteria provided, single submitter. Criteria: Invitae Variant Classification Sherloc (09022015). Collection method: clinical testing. Allele origin: germline.
Comment: This sequence change replaces glutamic acid, which is acidic and polar, with alanine, which is neutral and non-polar, at codon 1198 of the NF1 protein (p.Glu1198Ala). This variant is not present in population databases (gnomAD no frequency). This variant has not been reported in the literature in individuals affected with NF1-related conditions. Invitae Evidence Modeling of protein sequence and biophysical properties (such as structural, functional, and spatial information, amino acid conservation, physicochemical variation, residue mobility, and thermodynamic stability) indicates that this missense variant is expected to disrupt NF1 protein function with a positive predictive value of 95%. In summary, the available evidence is currently insufficient to determine the role of this variant in disease. Therefore, it has been classified as a Variant of Uncertain Significance.